The following is an entry in ClinVar:

ClinVar aggregate classification (germline): Conflicting classifications of pathogenicity. Review status: criteria provided, conflicting classifications (1 of 4 stars). 2 submissions from 2 submitters: Uncertain significance (1); Likely benign (1). Last evaluated 2026-03-01.

Conditions:
Intellectual developmental disorder, autosomal dominant 45. Also called: MENTAL RETARDATION, AUTOSOMAL DOMINANT 45; Intellectual disability, autosomal dominant 45. Identifiers: MedGen C4539848, MONDO:0030910, OMIM 617600.

gnomAD v4.1: 10 of 398,852 alleles (0.0025%); highest among the groups gnomAD compares: Admixed American, 0.022%; no homozygotes.

Submissions (2):

CeGaT Center for Human Genetics Tuebingen
Classification: Likely benign. Last evaluated: 2026-03-01. Review status: criteria provided, single submitter. Criteria: CeGaT Center For Human Genetics Tuebingen Variant Classification Criteria Version 2. Collection method: clinical testing. Allele origin: germline. Affected: yes. Observed: 2 variant alleles.
Comment: CIC: BS2

Foundation for Research in Genetics and Endocrinology, FRIGE's Institute of Human Genetics
Classification: Uncertain significance for Intellectual developmental disorder, autosomal dominant 45. Last evaluated: 2025-01-29. Review status: criteria provided, single submitter. Criteria: ACMG Guidelines, 2015. Collection method: clinical testing. Allele origin: germline. Inheritance: Autosomal dominant inheritance. Affected: yes. Observed: 1 heterozygote.
Comment: A heterozygous missense variant in exon 2 of the CIC gene that results in the amino acid substitution of Threonine for Alanine at codon 885 was detected. The observed variant c.2653G>A (p.Ala885Thr) has not been reported in the 1000 genomes and gnomAD databases. The in silico prediction of the variant is deleterious by FATHMM. In summary, the variant meets our criteria to be classified as a variant of uncertain significance.

NM_001386298.1(CIC):c.2653G>A (p.Ala885Thr)

Gene: CIC (capicua transcriptional repressor; plus strand). Cytogenetic location: 19q13.2.
Variant type: single nucleotide variant.
Coding change: c.2653G>A on transcript NM_001386298.1 (MANE Select); coding-DNA position 2653, G replaced by A.
Protein change: p.Ala885Thr; replaces alanine 885 with threonine.
Molecular consequence: missense variant.
Genome position (GRCh38, 1-based): chr19:42,274,436, G>A. VCF-style: chr19-42274436-G-A. GRCh37 (hg19) VCF-style: chr19-42778588-G-A.
Other names: p.Ala885Thr; c.2653G>A, p.Ala885Thr (NM_001304815.2, NM_001379480.1, NM_001379482.1); short protein forms A885T.
Identifiers: ClinVar variation 3629474 (VCV003629474.8).